The following is an entry in ClinVar:

NM_006721.4(ADK):c.550A>G (p.Ile184Val)

Gene: ADK (adenosine kinase; plus strand). Cytogenetic location: 10q22.2.
Variant type: single nucleotide variant.
Coding change: c.550A>G on transcript NM_006721.4 (MANE Select); coding-DNA position 550, A replaced by G.
Protein change: p.Ile184Val; replaces isoleucine 184 with valine.
Molecular consequence: missense variant.
Genome position (GRCh38, 1-based): chr10:74,398,574, A>G. VCF-style: chr10-74398574-A-G. GRCh37 (hg19) VCF-style: chr10-76158332-A-G.
Other names: c.499A>G, p.Ile167Val (NM_001123.4, NM_001369124.1); c.445A>G, p.Ile149Val (NM_001202449.2); c.550A>G, p.Ile184Val (NM_001202450.2, NM_001369123.1); short protein forms I149V, I184V, I167V.
Identifiers: ClinVar variation 2114034 (VCV002114034.4), dbSNP rs377764709, ClinGen allele CA5563980.
Genomic context (GRCh38, chr10:74,398,574, plus strand): 5'-GAAAAACATCTTGATCTGGAGAAAAACTGGATGTTGGTAGAAAAAGCAAGAGTTTGTTAT[A>G]TAGCAGTAAGTACTTACCTAATTCAAATCTCTAGTACATATTTACATGATGGATTATAGT-3'
Protein context (NP_006712.2, residues 174-194): MLVEKARVCY[Ile184Val]AGFFLTVSPE

ClinVar aggregate classification (germline): Uncertain significance (1 of 4 stars; one submission).

Allele frequency attached by ClinVar (database versions not stated): gnomAD exomes below 0.00001; ExAC 0.00001; ESP Exome Variant Server 0.00008.
gnomAD v4.1: 6 of 1,583,312 alleles (0.00038%); highest among the groups gnomAD compares: Non-Finnish European, 0.00043%; no homozygotes.

Submission:

Labcorp Genetics (formerly Invitae), Labcorp
Classification: Uncertain significance. Last evaluated: 2022-06-23. Review status: criteria provided, single submitter. Criteria: Invitae Variant Classification Sherloc (09022015). Collection method: clinical testing. Allele origin: germline.
Comment: This variant is present in population databases (rs377764709, gnomAD 0.002%). In summary, the available evidence is currently insufficient to determine the role of this variant in disease. Therefore, it has been classified as a Variant of Uncertain Significance. Algorithms developed to predict the effect of missense changes on protein structure and function (SIFT, PolyPhen-2, Align-GVGD) all suggest that this variant is likely to be tolerated. This variant has not been reported in the literature in individuals affected with ADK-related conditions. This sequence change replaces isoleucine, which is neutral and non-polar, with valine, which is neutral and non-polar, at codon 167 of the ADK protein (p.Ile167Val).